The following is an entry in ClinVar:

NM_001110556.2(FLNA):c.494A>G (p.Lys165Arg)

Gene: FLNA (filamin A; minus strand). Cytogenetic location: Xq28.
Variant type: single nucleotide variant.
Coding change: c.494A>G on transcript NM_001110556.2 (MANE Select); coding-DNA position 494, A replaced by G.
Protein change: p.Lys165Arg; replaces lysine 165 with arginine.
Molecular consequence: missense variant.
Genome position (GRCh38, 1-based): chrX:154,367,970, T>C on the plus strand (A>G on the coding strand, the complement: FLNA is on the minus strand). VCF-style: chrX-154367970-T-C. GRCh37 (hg19) VCF-style: chrX-153596338-T-C.
Other names: c.494A>G, p.Lys165Arg (NM_001456.4); short protein forms K165R.
Identifiers: ClinVar variation 625951 (VCV000625951.14), dbSNP rs1569551874, ClinGen allele CA415250007.

ClinVar aggregate classification (germline): Uncertain significance. Review status: criteria provided, multiple submitters, no conflicts (2 of 4 stars). 3 submissions from 3 submitters: Uncertain significance (3). Last evaluated 2023-11-03.

Conditions:
Intestinal pseudoobstruction, neuronal, chronic idiopathic, X-linked (CIIPX). Also called: FLNA-Related Periventricular Nodular Heterotopia (FLNA-Related PVNH; Huttenlocher Syndrome); CONGENITAL IDIOPATHIC INTESTINAL PSEUDOOBSTRUCTION; INTESTINAL PSEUDOOBSTRUCTION, NEURONAL, CHRONIC IDIOPATHIC, WITH CENTRAL NERVOUS SYSTEM INVOLVEMENT. Identifiers: Orphanet 2301, MedGen C2746068, MONDO:0010232, OMIM 300048.
Cardiac valvular dysplasia, X-linked (CVDPX). Also called: Congenital valvular dysplasia; Isolated X-Linked Cardiac Valvular Dysplasia; FLNA-Related X-linked Cardiac Valvular Dysplasia; MYXOMATOUS VALVULAR DYSTROPHY, X-LINKED; VALVULAR HEART DISEASE, CONGENITAL. Identifiers: Orphanet 1864, Orphanet 555877, Orphanet 75497, MedGen C0262436, MONDO:0010753, OMIM 314400.
Heterotopia, periventricular, X-linked dominant (PVNH1). Also called: PERIVENTRICULAR NODULAR HETEROTOPIA 4; HETEROTOPIA, PERIVENTRICULAR, 1; PERIVENTRICULAR NODULAR HETEROTOPIA 1; X-linked periventricular heterotopia. Identifiers: Orphanet 2149, Orphanet 82004, MedGen C1848213, MONDO:0010233, OMIM 300049.
Oto-palato-digital syndrome, type II (OPD2). Also called: Otopalatodigital Syndrome, Type II; FACIOPALATOOSSEOUS SYNDROME; OPD II SYNDROME; Otopalatodigital Syndrome Type 2 (FLNA-OPD2). Identifiers: Orphanet 669, Orphanet 90652, MedGen C1844696, MONDO:0010571, OMIM 304120.
Oto-palato-digital syndrome, type I (OPD1). Also called: Taybi syndrome; Otopalatodigital Syndrome, Type I; OPD I SYNDROME; OPD SYNDROME 1; Otopalatodigital Syndrome Type 1 (FLNA-OPD1). Identifiers: Orphanet 669, Orphanet 90650, MedGen C0265251, MONDO:0010704, OMIM 311300.
Frontometaphyseal dysplasia 1 (FMD1). Also called: Frontometaphyseal Dysplasia (FLNA-FMD). Identifiers: Orphanet 1826, MedGen C4281559, MONDO:0024550, OMIM 305620.
Terminal osseous dysplasia-pigmentary defects syndrome. Also called: Terminal Osseous Dysplasia (FLNA-TOD); ODPD; TERMINAL OSSEOUS DYSPLASIA AND PIGMENTARY DEFECTS; ODPF SYNDROME; OSSEOUS DYSPLASIA, DIGITAL, WITH FACIAL PIGMENTARY DEFECTS AND MULTIPLE FRENULA. Identifiers: Orphanet 88630, MedGen C1846129, MONDO:0010279, OMIM 300244.
FG syndrome 2 (FGS2). Identifiers: MedGen C1845902, MONDO:0010297, OMIM 300321.
Melnick-Needles syndrome (MNS). Also called: MELNICK-NEEDLES OSTEODYSPLASTY; OSTEODYSPLASTY OF MELNICK AND NEEDLES; Melnick-Needles Syndrome (FLNA-MNS). Identifiers: Orphanet 2484, MedGen C0025237, MONDO:0010650, OMIM 309350.
Frontometaphyseal dysplasia (FMD1). Identifiers: Orphanet 1826, MedGen C0265293, MONDO:0015942.

Submissions (3):

Labcorp Genetics (formerly Invitae), Labcorp
Classification: Uncertain significance for Oto-palato-digital syndrome, type II; Heterotopia, periventricular, X-linked dominant; Frontometaphyseal dysplasia; Melnick-Needles syndrome. Last evaluated: 2023-11-03. Review status: criteria provided, single submitter. Criteria: Invitae Variant Classification Sherloc (09022015). Collection method: clinical testing. Allele origin: germline.
Comment: This sequence change replaces lysine, which is basic and polar, with arginine, which is basic and polar, at codon 165 of the FLNA protein (p.Lys165Arg). This variant is not present in population databases (gnomAD no frequency). This variant has not been reported in the literature in individuals affected with FLNA-related conditions. ClinVar contains an entry for this variant (Variation ID: 625951). Advanced modeling of protein sequence and biophysical properties (such as structural, functional, and spatial information, amino acid conservation, physicochemical variation, residue mobility, and thermodynamic stability) performed at Invitae indicates that this missense variant is not expected to disrupt FLNA protein function with a negative predictive value of 95%. In summary, the available evidence is currently insufficient to determine the role of this variant in disease. Therefore, it has been classified as a Variant of Uncertain Significance.

ARUP Laboratories, Molecular Genetics and Genomics, ARUP Laboratories
Classification: Uncertain significance. Last evaluated: 2020-04-10. Review status: criteria provided, single submitter. Criteria: ARUP Molecular Germline Variant Investigation Process. Collection method: clinical testing. Allele origin: germline.

Center for Genomics, Ann and Robert H. Lurie Children's Hospital of Chicago
Classification: Uncertain significance for Oto-palato-digital syndrome, type II; Intestinal pseudoobstruction, neuronal, chronic idiopathic, X-linked; Cardiac valvular dysplasia, X-linked; FG syndrome 2; Melnick-Needles syndrome; Terminal osseous dysplasia-pigmentary defects syndrome; Oto-palato-digital syndrome, type I; Heterotopia, periventricular, X-linked dominant; Frontometaphyseal dysplasia 1. Review status: criteria provided, single submitter. Criteria: ACMG Guidelines, 2015. Collection method: clinical testing. Allele origin: germline.
Comment: FLNA NM_001110556.1 exon 3 p.Lys165Arg (c.494A>G):This variant has not been reported in the literature and is not present in large control databases. Evolutionary conservation and computational predictive tools for this variant are unclear. In summary, data on this variant is insufficient for disease classification. Therefore, the clinical significance of this variant is uncertain